The following is an entry in ClinVar:

ClinVar aggregate classification (germline): Benign (1 of 4 stars; one submission).

Conditions:
Familial cancer of breast. Also called: BREAST CANCER, FAMILIAL; Hereditary breast cancer; hereditary breast carcinoma. Identifiers: Orphanet 227535, MedGen C0346153, MONDO:0016419, OMIM 114480. Disease mechanism: loss of function.

Submission:

Myriad Genetics, Inc.
Classification: Benign for Familial cancer of breast. Last evaluated: 2024-05-13. Review status: criteria provided, single submitter. Criteria: Myriad Autosomal Dominant, Autosomal Recessive and X-Linked Classification Criteria (2023). Collection method: clinical testing. Allele origin: unknown.
Comment: This variant is considered benign. This variant is a silent/synonymous amino acid change and it is not expected to impact splicing.

NM_000051.4(ATM):c.3195A>G (p.Gly1065=)

Gene: ATM (ATM serine/threonine kinase; plus strand). Cytogenetic location: 11q22.3.
Variant type: single nucleotide variant.
Coding change: c.3195A>G on transcript NM_000051.4 (MANE Select); coding-DNA position 3195, A replaced by G.
Protein change: p.Gly1065=; no amino-acid change (glycine 1065 retained).
Molecular consequence: synonymous variant.
Genome position (GRCh38, 1-based): chr11:108,272,763, A>G. VCF-style: chr11-108272763-A-G. GRCh37 (hg19) VCF-style: chr11-108143490-A-G.
Other names: c.3195A>G, p.Gly1065= (NM_001351834.2).
Identifiers: ClinVar variation 3253990 (VCV003253990.1), dbSNP rs2135570812.